The following is an entry in ClinVar:

NM_001127221.2(CACNA1A):c.5569C>T (p.Arg1857Ter)

Gene: CACNA1A (calcium voltage-gated channel subunit alpha1 A; minus strand). Cytogenetic location: 19p13.13.
Variant type: single nucleotide variant.
Coding change: c.5569C>T on transcript NM_001127221.2 (MANE Plus Clinical); coding-DNA position 5569, C replaced by T.
Protein change: p.Arg1857Ter; replaces arginine 1857 with a stop codon.
Molecular consequence: nonsense. On other transcripts: intron variant (4).
Genome position (GRCh38, 1-based): chr19:13,228,758, G>A on the plus strand (C>T on the coding strand, the complement: CACNA1A is on the minus strand). VCF-style: chr19-13228758-G-A. GRCh37 (hg19) VCF-style: chr19-13339572-G-A.
Other names: c.5569C>T (NM_000068.2); c.5529-1231C>T (NM_001127222.2); c.5538-1231C>T (NM_001174080.2); c.5547-1231C>T (NM_000068.4, NM_023035.3); short protein forms R1857*.
Identifiers: ClinVar variation 857862 (VCV000857862.13), dbSNP rs1296262946, ClinGen allele CA404331536.
Genomic context (GRCh38, chr19:13,228,758, plus strand): 5'-CCTTGCAAGCAACCCTATGAGGACATTTCTTGCCTAAGCCGAGAGGGGGAGATATTACTC[G>A]TAATAAACTGTACATATCCTTATAATGAATCCGACCGCTGAAAGGAGAAGAAAGGGGGTT-3'

ClinVar aggregate classification (germline): Pathogenic. Review status: criteria provided, multiple submitters, no conflicts (2 of 4 stars). 4 submissions from 4 submitters: Pathogenic (4). Last evaluated 2024-03-20.

Conditions:
Developmental and epileptic encephalopathy, 42 (DEE42A). Also called: DEVELOPMENTAL AND EPILEPTIC ENCEPHALOPATHY 42A; EPILEPTIC ENCEPHALOPATHY, EARLY INFANTILE, 42A; Epileptic encephalopathy, early infantile, 42. Identifiers: MedGen C4310716, MONDO:0014917, OMIM 617106.
Episodic ataxia type 2 (EA2). Also called: ACETAZOLAMIDE-RESPONSIVE HEREDITARY PAROXYSMAL CEREBELLAR ATAXIA; ATAXIA, EPISODIC, WITH NYSTAGMUS; ATAXIA, FAMILIAL PAROXYSMAL; CEREBELLAR ATAXIA, PAROXYSMAL, ACETAZOLAMIDE-RESPONSIVE; CEREBELLOPATHY, HEREDITARY PAROXYSMAL; EPISODIC ATAXIA, NYSTAGMUS-ASSOCIATED. Identifiers: Orphanet 97, MedGen C1720416, MONDO:0007163, OMIM 108500.
CACNA1A-related disorder. Also called: CACNA1A-related condition.

Submissions (4):

Labcorp Genetics (formerly Invitae), Labcorp
Classification: Pathogenic for Developmental and epileptic encephalopathy, 42; Episodic ataxia type 2. Last evaluated: 2024-03-20. Review status: criteria provided, single submitter. Criteria: Invitae Variant Classification Sherloc (09022015). Collection method: clinical testing. Allele origin: germline.
Comment: This sequence change creates a premature translational stop signal (p.Arg1857*) in the CACNA1A gene. It is expected to result in an absent or disrupted protein product. Loss-of-function variants in CACNA1A are known to be pathogenic (PMID: 10371528, 19486177, 25735478, 27250579). This variant is not present in population databases (gnomAD no frequency). This premature translational stop signal has been observed in individuals with episodic ataxia (PMID: 18606230, 28566750). ClinVar contains an entry for this variant (Variation ID: 857862). For these reasons, this variant has been classified as Pathogenic.

PreventionGenetics, part of Exact Sciences
Classification: Pathogenic for CACNA1A-related condition. Last evaluated: 2023-01-27. Review status: criteria provided, single submitter. Criteria: ACMG Guidelines, 2015. Collection method: clinical testing. Allele origin: germline.
Comment: The CACNA1A c.5569C>T variant is predicted to result in premature protein termination (p.Arg1857*). This variant has been reported in an individuals with episodic ataxia type 2 (Graves et al. 2008. PubMed ID: 18606230; Table 1, Sintas et al. 2017. PubMed ID: 28566750; Table 1, van de Warrenburg et al. 2016. PubMed ID: 27165006). This variant has not been reported in a large population database, indicating this variant is rare. Nonsense variants in CACNA1A are expected to be pathogenic. This variant is interpreted as pathogenic.

GeneDx
Classification: Pathogenic. Last evaluated: 2022-08-31. Review status: criteria provided, single submitter. Criteria: GeneDx Variant Classification Process June 2021. Collection method: clinical testing. Allele origin: germline. Affected: yes.
Comment: Nonsense variant predicted to result in protein truncation or nonsense mediated decay in a gene for which loss of function is a known mechanism of disease; Not observed at significant frequency in large population cohorts (gnomAD); This variant is associated with the following publications: (PMID: 25525159, 27165006, 34806130, 28566750, 18606230)

Athena Diagnostics
Classification: Pathogenic. Last evaluated: 2020-12-28. Review status: criteria provided, single submitter. Criteria: Athena Diagnostics criteria. Collection method: clinical testing. Allele origin: unknown.
Comment: This variant is expected to result in the loss of a functional protein. This variant has not been reported in large, multi-ethnic general populations. This variant segregates with disease in at least one family.

Literature cited by the submitters: PubMed 10371528 (cited by Labcorp Genetics (formerly Invitae), Labcorp); PubMed 19486177 (cited by Labcorp Genetics (formerly Invitae), Labcorp); PubMed 25735478 (cited by Labcorp Genetics (formerly Invitae), Labcorp); PubMed 27250579 (cited by Labcorp Genetics (formerly Invitae), Labcorp); PubMed 18606230 (cited by Labcorp Genetics (formerly Invitae), Labcorp and Athena Diagnostics); PubMed 28566750 (cited by Labcorp Genetics (formerly Invitae), Labcorp and Athena Diagnostics); PubMed 27165006 (cited by Athena Diagnostics).